The following is an entry in ClinVar:

NM_022765.4(MICAL1):c.676G>A (p.Gly226Ser)

Gene: MICAL1 (microtubule associated monooxygenase, calponin and LIM domain containing 1; minus strand). Cytogenetic location: 6q21.
Variant type: single nucleotide variant.
Coding change: c.676G>A on transcript NM_022765.4 (MANE Select); coding-DNA position 676, G replaced by A.
Protein change: p.Gly226Ser; replaces glycine 226 with serine.
Molecular consequence: missense variant.
Genome position (GRCh38, 1-based): chr6:109,452,511, C>T on the plus strand (G>A on the coding strand, the complement: MICAL1 is on the minus strand). VCF-style: chr6-109452511-C-T. GRCh37 (hg19) VCF-style: chr6-109773714-C-T.
Other names: c.676G>A, p.Gly226Ser (NM_001159291.2); c.733G>A, p.Gly245Ser (NM_001286613.2); short protein forms G226S, G245S.
Identifiers: ClinVar variation 1954903 (VCV001954903.5), dbSNP rs1424808997, ClinGen allele CA365232808.

ClinVar aggregate classification (germline): Uncertain significance (1 of 4 stars; one submission).

gnomAD v4.1: 1 of 1,613,820 alleles (0.000062%); highest among the groups gnomAD compares: Non-Finnish European, 0.000085%; no homozygotes.

Submission:

Labcorp Genetics (formerly Invitae), Labcorp
Classification: Uncertain significance. Last evaluated: 2025-05-07. Review status: criteria provided, single submitter. Criteria: Invitae Variant Classification Sherloc (09022015). Collection method: clinical testing. Allele origin: germline.
Comment: This sequence change replaces glycine, which is neutral and non-polar, with serine, which is neutral and polar, at codon 245 of the MICAL1 protein (p.Gly245Ser). This variant also falls at the last nucleotide of exon 5, which is part of the consensus splice site for this exon. This variant is not present in population databases (gnomAD no frequency). This variant has not been reported in the literature in individuals affected with MICAL1-related conditions. ClinVar contains an entry for this variant (Variation ID: 1954903). An algorithm developed to predict the effect of missense changes on protein structure and function (PolyPhen-2) suggests that this variant is likely to be disruptive. Variants that disrupt the consensus splice site are a relatively common cause of aberrant splicing (PMID: 17576681, 9536098). Algorithms developed to predict the effect of sequence changes on RNA splicing suggest that this variant may disrupt the consensus splice site. In summary, the available evidence is currently insufficient to determine the role of this variant in disease. Therefore, it has been classified as a Variant of Uncertain Significance.

Literature cited by the submitters: PubMed 17576681; PubMed 9536098.